The following is an entry in ClinVar:

NM_000742.4(CHRNA2):c.221C>T (p.Ala74Val)

Gene: CHRNA2 (cholinergic receptor nicotinic alpha 2 subunit; minus strand). Cytogenetic location: 8p21.2.
Variant type: single nucleotide variant.
Coding change: c.221C>T on transcript NM_000742.4 (MANE Select); coding-DNA position 221, C replaced by T.
Protein change: p.Ala74Val; replaces alanine 74 with valine.
Molecular consequence: missense variant. On other transcripts: 5 prime UTR variant (4).
Genome position (GRCh38, 1-based): chr8:27,469,834, G>A on the plus strand (C>T on the coding strand, the complement: CHRNA2 is on the minus strand). VCF-style: chr8-27469834-G-A. GRCh37 (hg19) VCF-style: chr8-27327351-G-A.
Other names: p.A74V:GCG>GTG; c.221C>T, p.Ala74Val (NM_001282455.2); c.-207C>T (NM_001347705.2); c.-252C>T (NM_001347706.2); c.-193C>T (NM_001347707.2); c.-241C>T (NM_001347708.2); short protein forms A74V.
Identifiers: ClinVar variation 204953 (VCV000204953.9), dbSNP rs759595350, ClinGen allele CA313428.

ClinVar aggregate classification (germline): Uncertain significance. Review status: criteria provided, multiple submitters, no conflicts (2 of 4 stars). 3 submissions from 3 submitters: Uncertain significance (3). Last evaluated 2024-10-25.

Conditions:
Familial sleep-related hypermotor epilepsy. Also called: Autosomal Dominant Sleep-Related Hypermotor (Hyperkinetic) Epilepsy. Identifiers: Orphanet 98784, MedGen C3696898, MONDO:0000030.
CHRNA2-related disorder. Also called: CHRNA2-related condition.

Allele frequency attached by ClinVar (database versions not stated): TOPMed 0.00004.
gnomAD v4.1: 24 of 1,614,052 alleles (0.0015%); highest among the groups gnomAD compares: East Asian, 0.0067%; no homozygotes.

Submissions (3):

Labcorp Genetics (formerly Invitae), Labcorp
Classification: Uncertain significance. Last evaluated: 2024-10-25. Review status: criteria provided, single submitter. Criteria: Invitae Variant Classification Sherloc (09022015). Collection method: clinical testing. Allele origin: germline.
Comment: This sequence change replaces alanine, which is neutral and non-polar, with valine, which is neutral and non-polar, at codon 74 of the CHRNA2 protein (p.Ala74Val). This variant is present in population databases (no rsID available, gnomAD 0.003%). This variant has not been reported in the literature in individuals affected with CHRNA2-related conditions. ClinVar contains an entry for this variant (Variation ID: 204953). Invitae Evidence Modeling of protein sequence and biophysical properties (such as structural, functional, and spatial information, amino acid conservation, physicochemical variation, residue mobility, and thermodynamic stability) indicates that this missense variant is not expected to disrupt CHRNA2 protein function with a negative predictive value of 80%. In summary, the available evidence is currently insufficient to determine the role of this variant in disease. Therefore, it has been classified as a Variant of Uncertain Significance.

PreventionGenetics, part of Exact Sciences
Classification: Uncertain significance for CHRNA2-related condition. Last evaluated: 2023-10-04. Review status: criteria provided, single submitter. Criteria: ACMG Guidelines, 2015. Collection method: clinical testing. Allele origin: germline.
Comment: The CHRNA2 c.221C>T variant is predicted to result in the amino acid substitution p.Ala74Val. To our knowledge, this variant has not been reported in the literature. This variant is reported in 0.0029% of alleles in individuals of Latino descent in gnomAD. At this time, the clinical significance of this variant is uncertain due to the absence of conclusive functional and genetic evidence.

GeneDx
Classification: Uncertain significance. Last evaluated: 2020-03-09. Review status: criteria provided, single submitter. Criteria: GeneDx Variant Classification Process June 2021. Collection method: clinical testing. Allele origin: germline. Affected: yes.
Comment: Not observed at a significant frequency in large population cohorts (Lek et al., 2016); In silico analysis supports that this missense variant does not alter protein structure/function; In-silico analysis is inconclusive as to whether the variant alters gene splicing. In the absence of RNA/functional studies, the actual effect of this sequence change is unknown.; Has not been previously published as pathogenic or benign to our knowledge